The following is an entry in ClinVar:

ClinVar aggregate classification (germline): Pathogenic (1 of 4 stars; one submission).

Conditions:
Autosomal recessive congenital ichthyosis 1 (LI1). Also called: COLLODION FETUS; DESQUAMATION OF NEWBORN; ICHTHYOSIS CONGENITA; ICHTHYOSIS CONGENITA II; LAMELLAR EXFOLIATION OF NEWBORN; ICHTHYOSIS, CONGENITAL, AUTOSOMAL RECESSIVE 1, WITH BATHING SUIT DISTRIBUTION. Identifiers: MedGen C4551630, MONDO:0009441, OMIM 242300.

Submission:

Natera, Inc.
Classification: Pathogenic for Autosomal recessive congenital ichthyosis type 1. Last evaluated: 2024-04-01. Review status: criteria provided, single submitter. Criteria: Natera Variant Classification Schema (03/2026). Collection method: clinical testing. Allele origin: germline.
Comment: The c.1160-1delG variant in TGM1 is a canonical splice acceptor site variant predicted to affect pre-mRNA splicing, which may result in an abnormal transcript and altered protein product. This variant is expected to result in nonsense mediated decay, truncation, or a dysfunctional protein product. This variant is rare in the general population with a frequency below the threshold expected for the associated phenotype(s). Another variant at this same site results in an alteration predicted to cause a similar molecular effect has been observed in individual(s) with the associated phenotype. Given the available evidence, this variant is classified as Pathogenic.

NM_000359.3(TGM1):c.1160-1del

Gene: TGM1 (transglutaminase 1; minus strand). Cytogenetic location: 14q12.
Variant type: Deletion.
Coding change: c.1160-1del on transcript NM_000359.3 (MANE Select); the canonical splice acceptor site of the intron before coding-DNA position 1160, one base deleted (G; older notation c.1160-1delG).
Molecular consequence: splice acceptor variant.
Genome position (GRCh38, 1-based): chr14:24,258,674, C deleted on the plus strand (G on the coding strand, the reverse complement: TGM1 is on the minus strand). VCF-style (leftmost placement, unchanged base first): chr14-24258673-AC-A. GRCh37 (hg19) VCF-style: chr14-24727879-AC-A.
Identifiers: ClinVar variation 4818261 (VCV004818261.1).